The following is an entry in ClinVar:

ClinVar aggregate classification (germline): Uncertain significance. Review status: criteria provided, multiple submitters, no conflicts (2 of 4 stars). 3 submissions from 3 submitters: Uncertain significance (3). Last evaluated 2024-10-26.

Conditions:
Hereditary spastic paraplegia. Also called: Familial spastic paraparesis. Identifiers: Orphanet 685, MedGen C0037773, MONDO:0019064. Disease mechanism: loss of function.
Hereditary spastic paraplegia 49 (HSAN9). Also called: Spastic paraplegia 49, autosomal recessive; TECPR2-Related Hereditary Sensory and Autonomic Neuropathy with Intellectual Disability; NEUROPATHY, HEREDITARY SENSORY AND AUTONOMIC, TYPE IX, WITH DEVELOPMENTAL DELAY. Identifiers: Orphanet 320385, MedGen C5190860, MONDO:0014016, OMIM 615031.

Allele frequency attached by ClinVar (database versions not stated): gnomAD 0.00001 and 0.00003; gnomAD exomes 0.00001 and 0.00002; TOPMed 0.00002; ExAC 0.00003; 1000 Genomes Project 0.00020; 1000 Genomes Project 30x 0.00031.
gnomAD v4.1: 25 of 1,613,710 alleles (0.0015%); highest among the groups gnomAD compares: Middle Eastern, 0.033%; no homozygotes.

Submissions (3):

Labcorp Genetics (formerly Invitae), Labcorp
Classification: Uncertain significance for Hereditary spastic paraplegia 49. Last evaluated: 2024-10-26. Review status: criteria provided, single submitter. Criteria: Invitae Variant Classification Sherloc (09022015). Collection method: clinical testing. Allele origin: germline.
Comment: This sequence change replaces arginine, which is basic and polar, with tryptophan, which is neutral and slightly polar, at codon 1159 of the TECPR2 protein (p.Arg1159Trp). This variant is present in population databases (rs202087410, gnomAD 0.003%). This variant has not been reported in the literature in individuals affected with TECPR2-related conditions. ClinVar contains an entry for this variant (Variation ID: 1344155). An algorithm developed to predict the effect of missense changes on protein structure and function (PolyPhen-2) suggests that this variant is likely to be disruptive. In summary, the available evidence is currently insufficient to determine the role of this variant in disease. Therefore, it has been classified as a Variant of Uncertain Significance.

Genome Diagnostics Laboratory, The Hospital for Sick Children
Classification: Uncertain significance for Hereditary spastic paraplegia. Last evaluated: 2016-12-12. Review status: criteria provided, single submitter. Criteria: ACMG Guidelines, 2015. Collection method: clinical testing. Allele origin: germline. Affected: yes.

Breakthrough Genomics
Classification: Uncertain significance. Review status: criteria provided, single submitter. Criteria: ACMG Guidelines, 2015. Collection method: not provided. Allele origin: germline. Inheritance: Autosomal recessive inheritance. Affected: yes.

NM_014844.5(TECPR2):c.3475C>T (p.Arg1159Trp)

Gene: TECPR2 (tectonin beta-propeller repeat containing 2; plus strand). Cytogenetic location: 14q32.31.
Variant type: single nucleotide variant.
Coding change: c.3475C>T on transcript NM_014844.5 (MANE Select); coding-DNA position 3475, C replaced by T.
Protein change: p.Arg1159Trp; replaces arginine 1159 with tryptophan.
Molecular consequence: missense variant.
Genome position (GRCh38, 1-based): chr14:102,452,462, C>T. VCF-style: chr14-102452462-C-T. GRCh37 (hg19) VCF-style: chr14-102918799-C-T.
Other names: c.3475C>T, p.Arg1159Trp (NM_001172631.3); short protein forms R1159W.
Identifiers: ClinVar variation 1344155 (VCV001344155.13), dbSNP rs202087410, ClinGen allele CA7358256.